The following is an entry in ClinVar:

ClinVar aggregate classification (germline): Benign/Likely benign. Review status: criteria provided, multiple submitters, no conflicts (2 of 4 stars). 3 submissions from 3 submitters: Benign (1); Likely benign (2). Last evaluated 2026-01-15.

Conditions:
Hypertrophic cardiomyopathy 1 (CMH1). Also called: MYH7-Related Familial Hypertrophic Cardiomyopathy; Familial hypertrophic cardiomyopathy 1. Identifiers: MedGen C3495498, MONDO:0008647, OMIM 192600.

Allele frequency attached by ClinVar (database versions not stated): TOPMed 0.00014; gnomAD 0.00017; gnomAD exomes 0.00018 and 0.00019; ExAC 0.00019; ESP Exome Variant Server 0.00023.
gnomAD v4.1: 293 of 1,612,032 alleles (0.018%); highest among the groups gnomAD compares: Admixed American, 0.042%; no homozygotes.

Submissions (3):

Labcorp Genetics (formerly Invitae), Labcorp
Classification: Benign for Hypertrophic cardiomyopathy 1. Last evaluated: 2026-01-15. Review status: criteria provided, single submitter. Criteria: Invitae Variant Classification Sherloc (09022015). Collection method: clinical testing. Allele origin: germline.

Blueprint Genetics
Classification: Likely benign. Last evaluated: 2024-07-29. Review status: criteria provided, single submitter. Criteria: ACMG Guidelines, 2015. Collection method: clinical testing. Allele origin: germline.

GeneDx
Classification: Likely benign. Last evaluated: 2017-02-28. Review status: criteria provided, single submitter. Criteria: GeneDx Variant Classification (06012015). Collection method: clinical testing. Allele origin: germline. Affected: yes.
Comment: This variant is considered likely benign or benign based on one or more of the following criteria: it is a conservative change, it occurs at a poorly conserved position in the protein, it is predicted to be benign by multiple in silico algorithms, and/or has population frequency not consistent with disease.

NM_033118.4(MYLK2):c.726G>A (p.Gln242=)

Gene: MYLK2 (myosin light chain kinase 2; plus strand). Cytogenetic location: 20q11.21.
Variant type: single nucleotide variant.
Coding change: c.726G>A on transcript NM_033118.4 (MANE Select); coding-DNA position 726, G replaced by A.
Protein change: p.Gln242=; no amino-acid change (glutamine 242 retained).
Molecular consequence: synonymous variant.
Genome position (GRCh38, 1-based): chr20:31,821,691, G>A. VCF-style: chr20-31821691-G-A. GRCh37 (hg19) VCF-style: chr20-30409494-G-A.
Identifiers: ClinVar variation 413773 (VCV000413773.12), dbSNP rs145772898, ClinGen allele CA9802982.